The following is an entry in ClinVar:

ClinVar aggregate classification (germline): Uncertain significance (1 of 4 stars; one submission).

Conditions:
Autosomal dominant nonsyndromic hearing loss 12. Also called: DEAFNESS, AUTOSOMAL DOMINANT 8. Identifiers: Orphanet 90635, MedGen C1832187, MONDO:0011102, OMIM 601543.

Submission:

3billion
Classification: Uncertain significance for Autosomal dominant nonsyndromic hearing loss 12. Last evaluated: 2022-09-01. Review status: criteria provided, single submitter. Criteria: ACMG Guidelines, 2015. Collection method: clinical testing. Allele origin: germline. Affected: yes. Observed: 1 heterozygote.
Comment: The variant is not observed in the gnomAD v2.1.1 dataset. In silico tool predictions suggest damaging effect of the variant on gene or gene product (REVEL: 0.66; 3Cnet: 0.74). Therefore, this variant is classified as uncertain significance according to the recommendation of ACMG/AMP guideline.

NM_005422.4(TECTA):c.493A>T (p.Thr165Ser)

Genes: TBCEL-TECTA (TBCEL-TECTA readthrough; plus strand), TECTA (tectorin alpha; plus strand). Cytogenetic location: 11q23.3.
Variant type: single nucleotide variant.
Coding change: c.493A>T on transcript NM_005422.4 (MANE Select); coding-DNA position 493, A replaced by T.
Protein change: p.Thr165Ser; replaces threonine 165 with serine.
Molecular consequence: missense variant.
Genome position (GRCh38, 1-based): chr11:121,113,078, A>T. VCF-style: chr11-121113078-A-T. GRCh37 (hg19) VCF-style: chr11-120983787-A-T.
Other names: c.1450A>T, p.Thr484Ser (NM_001378761.1); short protein forms T165S, T484S.
Identifiers: ClinVar variation 1705575 (VCV001705575.1), dbSNP rs1591437516, ClinGen allele CA383021513.
Genomic context (GRCh38, chr11:121,113,078, plus strand): 5'-GCCAGGACCTCCTGGGGAGTGCAAGTCATGAGACTGCGCATTCCCATCCTGTAGGTGAAC[A>T]CCTTCCAGGCCGTCCTAGTGTCCGATGGCTCCTATACATTCACCCTCTTCAATTATTACG-3'
Protein context (NP_005413.2, residues 155-175): YGGSSTTPVN[Thr165Ser]FQAVLVSDGS